The following is an entry in ClinVar:

ClinVar aggregate classification (germline): Uncertain significance (1 of 4 stars; one submission).

Submission:

MVZ Dr. Eberhard & Partner Dortmund
Classification: Uncertain significance. Last evaluated: 2020-01-23. Review status: criteria provided, single submitter. Criteria: ACMG Guidelines, 2015. Collection method: clinical testing. Allele origin: unknown. Observed: 1 homozygote.
Comment: This transition at a conserved position (phyloP: 7.76 [-20.0;10]) is likely to cause an amino acid change from Tyr236 to Cys. This amino acid is highly conserved up to C. elegans (considering 12 species) and multiple lines of computational evidence support a deleterious effect on the gene or gene product (SIFT (v6.2.0: deliterious (score 0, median 2.95; MutationTaster (v2013): disease causing (prob 1)). There is also a large physicochemical difference between Tyr and Cys (Grantham distance: 194 [0-215]). A cryptic splice donor site is predicted to be activated and a new exon splicing enhancer site is predicted, too (Human Splicing Finder). This variant is absent from controls in Exome Sequencing Project, 1000 Genomes Project and Exome Aggregation Consortium.

NM_213653.4(HJV):c.707A>G (p.Tyr236Cys)

Gene: HJV (hemojuvelin BMP co-receptor; minus strand). Cytogenetic location: 1q21.1.
Variant type: single nucleotide variant.
Coding change: c.707A>G on transcript NM_213653.4 (MANE Select); coding-DNA position 707, A replaced by G.
Protein change: p.Tyr236Cys; replaces tyrosine 236 with cysteine.
Molecular consequence: missense variant.
Genome position (GRCh38, 1-based): chr1:146,018,651, T>C on the plus strand (A>G on the coding strand, the complement: HJV is on the minus strand). VCF-style: chr1-146018651-T-C. GRCh37 (hg19) VCF-style: chr1-145416362-A-G.
Other names: c.29A>G, p.Tyr10Cys (NM_001316767.2, NM_202004.4, NM_213652.4); c.707A>G, p.Tyr236Cys (NM_001379352.1); c.368A>G, p.Tyr123Cys (NM_145277.5); short protein forms Y10C, Y123C, Y236C.
Identifiers: ClinVar variation 996358 (VCV000996358.2), dbSNP rs1652501435, ClinGen allele CA342137678.